The following is an entry in ClinVar:

NM_000081.4(LYST):c.985C>T (p.Arg329Ter)

Gene: LYST (lysosomal trafficking regulator; minus strand). Cytogenetic location: 1q42.3.
Variant type: single nucleotide variant.
Coding change: c.985C>T on transcript NM_000081.4 (MANE Select); coding-DNA position 985, C replaced by T.
Protein change: p.Arg329Ter; replaces arginine 329 with a stop codon.
Molecular consequence: nonsense.
Genome position (GRCh38, 1-based): chr1:235,809,833, G>A on the plus strand (C>T on the coding strand, the complement: LYST is on the minus strand). VCF-style: chr1-235809833-G-A. GRCh37 (hg19) VCF-style: chr1-235973133-G-A.
Other names: c.985C>T, p.Arg329Ter (NM_001301365.1); short protein forms R329*.
Identifiers: ClinVar variation 1076173 (VCV001076173.8), dbSNP rs1673263416, ClinGen allele CA344963536.

ClinVar aggregate classification (germline): Pathogenic/Likely pathogenic. Review status: criteria provided, multiple submitters, no conflicts (2 of 4 stars). 3 submissions from 3 submitters: Pathogenic (1); Likely pathogenic (2). Last evaluated 2024-03-20.

Conditions:
Chédiak-Higashi syndrome (CHS). Also called: Chediak-Higashi Syndrome. Identifiers: Orphanet 167, MedGen C0007965, MONDO:0008963, OMIM 214500.

Allele frequency attached by ClinVar (database versions not stated): gnomAD exomes below 0.00001; TOPMed below 0.00001.
gnomAD v4.1: 3 of 1,613,924 alleles (0.00019%); highest among the groups gnomAD compares: Non-Finnish European, 0.00025%; no homozygotes.

Submissions (3):

Fulgent Genetics
Classification: Likely pathogenic for Chédiak-Higashi syndrome. Last evaluated: 2024-03-20. Review status: criteria provided, single submitter. Criteria: ACMG Guidelines, 2015. Collection method: clinical testing. Allele origin: germline.

Labcorp Genetics (formerly Invitae), Labcorp
Classification: Pathogenic for Chédiak-Higashi syndrome. Last evaluated: 2023-06-14. Review status: criteria provided, single submitter. Criteria: Invitae Variant Classification Sherloc (09022015). Collection method: clinical testing. Allele origin: germline.
Comment: For these reasons, this variant has been classified as Pathogenic. ClinVar contains an entry for this variant (Variation ID: 1076173). This variant has not been reported in the literature in individuals affected with LYST-related conditions. This variant is not present in population databases (gnomAD no frequency). This sequence change creates a premature translational stop signal (p.Arg329*) in the LYST gene. It is expected to result in an absent or disrupted protein product. Loss-of-function variants in LYST are known to be pathogenic (PMID: 9215679, 11857544).

Baylor Genetics
Classification: Likely pathogenic for Chédiak-Higashi syndrome. Last evaluated: 2023-02-18. Review status: criteria provided, single submitter. Criteria: ACMG Guidelines, 2015. Collection method: clinical testing. Allele origin: unknown.

Literature cited by the submitters: PubMed 9215679 (cited by Labcorp Genetics (formerly Invitae), Labcorp); PubMed 11857544 (cited by Labcorp Genetics (formerly Invitae), Labcorp).